The following is an entry in ClinVar:

ClinVar aggregate classification (germline): Uncertain significance (1 of 4 stars; one submission).

Submission:

Labcorp Genetics (formerly Invitae), Labcorp
Classification: Uncertain significance. Last evaluated: 2024-02-12. Review status: criteria provided, single submitter. Criteria: Invitae Variant Classification Sherloc (09022015). Collection method: clinical testing. Allele origin: germline.
Comment: This sequence change replaces glutamine, which is neutral and polar, with histidine, which is basic and polar, at codon 315 of the CNOT3 protein (p.Gln315His). This variant is present in population databases (rs758530739, gnomAD 0.001%). This variant has not been reported in the literature in individuals affected with CNOT3-related conditions. An algorithm developed to predict the effect of missense changes on protein structure and function (PolyPhen-2) suggests that this variant is likely to be disruptive. In summary, the available evidence is currently insufficient to determine the role of this variant in disease. Therefore, it has been classified as a Variant of Uncertain Significance.

NM_014516.4(CNOT3):c.945G>C (p.Gln315His)

Gene: CNOT3 (CCR4-NOT transcription complex subunit 3; plus strand). Cytogenetic location: 19q13.42.
Variant type: single nucleotide variant.
Coding change: c.945G>C on transcript NM_014516.4 (MANE Select); coding-DNA position 945, G replaced by C.
Protein change: p.Gln315His; replaces glutamine 315 with histidine.
Molecular consequence: missense variant.
Genome position (GRCh38, 1-based): chr19:54,148,198, G>C. VCF-style: chr19-54148198-G-C. GRCh37 (hg19) VCF-style: chr19-54651933-G-C.
Other names: short protein forms Q315H.
Identifiers: ClinVar variation 3679188 (VCV003679188.2).
Genomic context (GRCh38, chr19:54,148,198, plus strand): 5'-CCACCCGCAGTCTCCAGCCAAAAACGGCTCCAAGCCTGTCCACAGCAACCAGCACCCTCA[G>C]TCCCCAGCTGTGCCGCCCACCTACCCCTCCGGCCCCCCGCCTGCTGCCTCTGCCTTGAGC-3'
Protein context (NP_055331.1, residues 305-325): SKPVHSNQHP[Gln315His]SPAVPPTYPS